The following is an entry in ClinVar:

NM_000535.7(PMS2):c.1679G>C (p.Cys560Ser)

Gene: PMS2 (PMS1 homolog 2, mismatch repair system component; minus strand). Cytogenetic location: 7p22.1.
Variant type: single nucleotide variant.
Coding change: c.1679G>C on transcript NM_000535.7 (MANE Select); coding-DNA position 1679, G replaced by C.
Protein change: p.Cys560Ser; replaces cysteine 560 with serine.
Molecular consequence: missense variant. On other transcripts: non-coding transcript variant (1).
Genome position (GRCh38, 1-based): chr7:5,987,086, C>G on the plus strand (G>C on the coding strand, the complement: PMS2 is on the minus strand). VCF-style: chr7-5987086-C-G. GRCh37 (hg19) VCF-style: chr7-6026717-C-G.
Other names: c.1274G>C, p.Cys425Ser (NM_001322003.2, NM_001322004.2, NM_001322005.2 and 1 more transcripts); c.1523G>C, p.Cys508Ser (NM_001322006.2); c.1361G>C, p.Cys454Ser (NM_001322007.2, NM_001322008.2); c.1118G>C, p.Cys373Ser (NM_001322010.2); c.746G>C, p.Cys249Ser (NM_001322011.2, NM_001322012.2); c.1106G>C, p.Cys369Ser (NM_001322013.2); c.1679G>C, p.Cys560Ser (NM_001322014.2); c.1370G>C, p.Cys457Ser (NM_001322015.2); short protein forms C249S, C373S, C457S, C560S, C369S, C425S, C454S, C508S.
Identifiers: ClinVar variation 963436 (VCV000963436.1), dbSNP rs757989905, ClinGen allele CA366741237.

ClinVar aggregate classification (germline): Uncertain significance (1 of 4 stars; one submission).

Conditions:
Hereditary nonpolyposis colorectal neoplasms. Identifiers: MedGen C0009405, MeSH D003123.

Submission:

Labcorp Genetics (formerly Invitae), Labcorp
Classification: Uncertain significance for Hereditary nonpolyposis colon cancer. Last evaluated: 2019-09-21. Review status: criteria provided, single submitter. Criteria: Invitae Variant Classification Sherloc (09022015). Collection method: clinical testing. Allele origin: germline.
Comment: This sequence change replaces cysteine with serine at codon 560 of the PMS2 protein (p.Cys560Ser). The cysteine residue is weakly conserved and there is a moderate physicochemical difference between cysteine and serine. This variant is not present in population databases (ExAC no frequency). This variant has not been reported in the literature in individuals with PMS2-related conditions. Algorithms developed to predict the effect of missense changes on protein structure and function output the following: SIFT: "Tolerated"; PolyPhen-2: "Benign"; Align-GVGD: "Class C0". The serine amino acid residue is found in multiple mammalian species, suggesting that this missense change does not adversely affect protein function. These predictions have not been confirmed by published functional studies and their clinical significance is uncertain. In summary, the available evidence is currently insufficient to determine the role of this variant in disease. Therefore, it has been classified as a Variant of Uncertain Significance.